The following is an entry in ClinVar:

NM_032383.5(HPS3):c.320G>A (p.Arg107Gln)

Gene: HPS3 (HPS3 biogenesis of lysosomal organelles complex 2 subunit 1; plus strand). Cytogenetic location: 3q24.
Variant type: single nucleotide variant.
Coding change: c.320G>A on transcript NM_032383.5 (MANE Select); coding-DNA position 320, G replaced by A.
Protein change: p.Arg107Gln; replaces arginine 107 with glutamine.
Molecular consequence: missense variant. On other transcripts: intron variant (1).
Genome position (GRCh38, 1-based): chr3:149,140,106, G>A. VCF-style: chr3-149140106-G-A. GRCh37 (hg19) VCF-style: chr3-148857893-G-A.
Other names: c.218-911G>A (NM_001308258.2); short protein forms R107Q.
Identifiers: ClinVar variation 1485532 (VCV001485532.5), dbSNP rs1456789926, ClinGen allele CA354910754.

ClinVar aggregate classification (germline): Uncertain significance (1 of 4 stars; one submission).

Allele frequency attached by ClinVar (database versions not stated): gnomAD exomes below 0.00001.
gnomAD v4.1: 4 of 1,613,284 alleles (0.00025%); highest among the groups gnomAD compares: Non-Finnish European, 0.00025%; no homozygotes.

Submission:

Labcorp Genetics (formerly Invitae), Labcorp
Classification: Uncertain significance. Last evaluated: 2021-08-14. Review status: criteria provided, single submitter. Criteria: Invitae Variant Classification Sherloc (09022015). Collection method: clinical testing. Allele origin: germline.
Comment: This sequence change replaces arginine with glutamine at codon 107 of the HPS3 protein (p.Arg107Gln). The arginine residue is highly conserved and there is a small physicochemical difference between arginine and glutamine. This variant is not present in population databases (ExAC no frequency). This variant has not been reported in the literature in individuals affected with HPS3-related conditions. Algorithms developed to predict the effect of missense changes on protein structure and function are either unavailable or do not agree on the potential impact of this missense change (SIFT: "Deleterious"; PolyPhen-2: "Probably Damaging"; Align-GVGD: "Class C0"). In summary, the available evidence is currently insufficient to determine the role of this variant in disease. Therefore, it has been classified as a Variant of Uncertain Significance.